The following is an entry in ClinVar:

NM_206937.2(LIG4):c.799_800del (p.Ser267fs)

Gene: LIG4 (DNA ligase 4; minus strand). Cytogenetic location: 13q33.3.
Variant type: Microsatellite.
Coding change: c.799_800del on transcript NM_206937.2 (MANE Select); coding-DNA positions 799 to 800, 2 bases deleted (AG; older notation c.799_800delAG).
Protein change: p.Ser267fs; shifts the reading frame from serine 267.
Molecular consequence: frameshift variant.
Genome position (GRCh38, 1-based): chr13:108,210,469-108,210,470, CT deleted on the plus strand (AG on the coding strand, the reverse complement: LIG4 is on the minus strand); deleting any 2 consecutive bases within chr13:108,210,469-108,210,472 gives the same sequence; the c. name uses the placement nearest the transcript's 3' end. VCF-style (leftmost placement, unchanged base first): chr13-108210468-ACT-A. GRCh37 (hg19) VCF-style: chr13-108862816-ACT-A.
Other names: c.799_800delAG (NM_002312.3); c.799_800del, p.Ser267fs (NM_001098268.2, NM_001352598.2, NM_001352599.2 and 6 more transcripts); c.598_599del, p.Ser200fs (NM_001330595.2); c.835_836del, p.Ser279fs (NM_001352604.2); short protein forms S267fs, S200fs, S279fs.
Identifiers: ClinVar variation 567502 (VCV000567502.12), dbSNP rs1566366148, ClinGen allele CA891843589.

ClinVar aggregate classification (germline): Pathogenic/Likely pathogenic. Review status: criteria provided, multiple submitters, no conflicts (2 of 4 stars). 3 submissions from 3 submitters: Pathogenic (2); Likely pathogenic (1). Last evaluated 2024-03-08.

Conditions:
DNA ligase IV deficiency. Identifiers: Orphanet 99812, MedGen C1847827, MONDO:0011686, OMIM 606593.
LIG4-related disorder. Also called: LIG4-related condition; LIG4-related disorders. Identifiers: MedGen CN239380.

Submissions (3):

Labcorp Genetics (formerly Invitae), Labcorp
Classification: Pathogenic for DNA ligase IV deficiency. Last evaluated: 2024-03-08. Review status: criteria provided, single submitter. Criteria: Invitae Variant Classification Sherloc (09022015). Collection method: clinical testing. Allele origin: germline.
Comment: This sequence change creates a premature translational stop signal (p.Ser267Phefs*10) in the LIG4 gene. While this is not anticipated to result in nonsense mediated decay, it is expected to disrupt the last 645 amino acid(s) of the LIG4 protein. This variant is not present in population databases (gnomAD no frequency). This variant has not been reported in the literature in individuals affected with LIG4-related conditions. ClinVar contains an entry for this variant (Variation ID: 567502). This variant disrupts a region of the LIG4 protein in which other variant(s) (p.Arg814*) have been determined to be pathogenic (PMID: 11779494, 16088910, 24123394, 25239263, 27063650, 27612988). This suggests that this is a clinically significant region of the protein, and that variants that disrupt it are likely to be disease-causing. For these reasons, this variant has been classified as Pathogenic.

Women's Health and Genetics/Laboratory Corporation of America, LabCorp
Classification: Pathogenic for DNA ligase IV deficiency. Last evaluated: 2023-10-16. Review status: criteria provided, single submitter. Criteria: LabCorp Variant Classification Summary - May 2015. Collection method: clinical testing. Allele origin: germline.
Comment: Variant summary: LIG4 c.799_800delAG (p.Ser267PhefsX10) results in a premature termination codon in the last exon, affecting the last 645 amino acids of the LIG4 protein. Although nonsense mediated decay is not expected to occur, variants downstream of this position have been classified as pathogenic by our laboratory, suggesting the variant is pathogenic. The variant was absent in 250204 control chromosomes. To our knowledge, no occurrence of c.799_800delAG in individuals affected with LIG4 Syndrome and no experimental evidence demonstrating its impact on protein function have been reported. One submitter has cited clinical-significance assessments for this variant to ClinVar after 2014 and has classified the variant as pathogenic. Based on the evidence outlined above, the variant was classified as pathogenic.

Blueprint Genetics
Classification: Likely pathogenic for LIG4-related disorders. Last evaluated: 2022-06-21. Review status: criteria provided, single submitter. Criteria: ACMG Guidelines, 2015. Collection method: clinical testing. Allele origin: germline. Affected: yes. Observed: 1 variant allele.

Literature cited by the submitters: PubMed 11779494 (cited by Labcorp Genetics (formerly Invitae), Labcorp); PubMed 16088910 (cited by Labcorp Genetics (formerly Invitae), Labcorp); PubMed 24123394 (cited by Labcorp Genetics (formerly Invitae), Labcorp); PubMed 25239263 (cited by Labcorp Genetics (formerly Invitae), Labcorp); PubMed 27063650 (cited by Labcorp Genetics (formerly Invitae), Labcorp); PubMed 27612988 (cited by Labcorp Genetics (formerly Invitae), Labcorp).